The following is an entry in ClinVar:

ClinVar aggregate classification (germline): Likely benign (0 of 4 stars; one submission).

Conditions:
PTPRC-related disorder. Also called: PTPRC-related condition.

Submission:

PreventionGenetics, part of Exact Sciences
Classification: Likely benign for PTPRC-related condition. Last evaluated: 2020-02-26. Review status: no assertion criteria provided. Collection method: clinical testing. Allele origin: germline.
Comment: This variant is classified as likely benign based on ACMG/AMP sequence variant interpretation guidelines (Richards et al. 2015 PMID: 25741868, with internal and published modifications).

NM_002838.5(PTPRC):c.*4_*7dup

Gene: PTPRC (protein tyrosine phosphatase receptor type C; plus strand). Cytogenetic location: 1q32.1.
Variant type: Duplication.
Coding change: c.*4_*7dup on transcript NM_002838.5 (MANE Select); 4 bases downstream of the stop codon through 7 bases downstream of the stop codon, 4 bases duplicated (AAGA; older notation c.*4_*7dupAAGA).
Molecular consequence: 3 prime UTR variant.
Genome position (GRCh38, 1-based): chr1:198,756,185-198,756,188, AAGA duplicated; duplicating any 4 consecutive bases within chr1:198,756,184-198,756,188 gives the same sequence; the c. name uses the placement nearest the transcript's 3' end. VCF-style (leftmost placement, unchanged base first): chr1-198756183-A-AAAAG. GRCh37 (hg19) VCF-style: chr1-198725312-A-AAAAG.
Other names: c.*4_*7dup (NM_080921.4).
Identifiers: ClinVar variation 3051600 (VCV003051600.2), dbSNP rs747502666, ClinGen allele CA1315585.
Genomic context (GRCh38, chr1:198,756,183, plus strand): 5'-AGGGGCCAGAACATTCTGTCAATGGTCCTGCAAGTCCAGCTTTAAATCAAGGTTCATAGG[A>AAAAG]AAAGACATAAATGAGGAAACTCCAAACCTCCTGTTAGCTGTTATTTCTATTTTTGTAGAA-3'